The following is an entry in ClinVar:

NM_004833.3(AIM2):c.1030T>G (p.Ter344Glu)

Gene: AIM2 (absent in melanoma 2; minus strand). Cytogenetic location: 1q23.1.
Variant type: single nucleotide variant.
Coding change: c.1030T>G on transcript NM_004833.3 (MANE Select); coding-DNA position 1030, T replaced by G.
Protein change: p.Ter344Glu.
Molecular consequence: stop lost.
Genome position (GRCh38, 1-based): chr1:159,062,694, A>C on the plus strand (T>G on the coding strand, the complement: AIM2 is on the minus strand). VCF-style: chr1-159062694-A-C. GRCh37 (hg19) VCF-style: chr1-159032484-A-C.
Other names: *239E; *344E; c.1029+1T>G (NM_004833.1); c.715T>G, p.Ter239Glu (NM_001348247.2).
Identifiers: ClinVar variation 780267 (VCV000780267.7), dbSNP rs74689714, ClinGen allele CA1186900.

ClinVar aggregate classification (germline): Conflicting classifications of pathogenicity. Review status: criteria provided, conflicting classifications (1 of 4 stars). 3 submissions from 3 submitters: Uncertain significance (1); Benign (1). 1 of the submissions does not count toward it. Last evaluated 2020-08-01.

Conditions:
AIM2-related disorder. Also called: AIM2-related condition.
Hereditary breast ovarian cancer syndrome. Also called: Hereditary breast and ovarian cancer; Hereditary breast and ovarian cancer syndrome; Breast and ovarian cancer; Hereditary breast and ovarian cancer syndrome (HBOC); Hereditary breast and/or ovarian cancer syndrome; BRCA1- and BRCA2-Associated Hereditary Breast and Ovarian Cancer. Identifiers: Orphanet 145, MedGen C0677776, MeSH D061325, MONDO:0003582. Disease mechanism: loss of function.

Allele frequency attached by ClinVar (database versions not stated): ESP Exome Variant Server 0.01069; gnomAD 0.01072 and 0.01135; TOPMed 0.01182; 1000 Genomes Project 0.01378; 1000 Genomes Project 30x 0.01483.
gnomAD v4.1: 3,177 of 1,612,214 alleles (0.2%); highest among the groups gnomAD compares: African/African-American, 3.6%; 53 homozygotes.

Submissions (3):

Molecular Oncology Research Center, Barretos Cancer Hospital
Classification: Uncertain significance for Hereditary breast ovarian cancer syndrome. Last evaluated: 2020-08-01. Review status: criteria provided, single submitter. Criteria: ACMG Guidelines, 2015. Collection method: research. Allele origin: germline. Affected: yes. Observed: 1 variant allele.

Labcorp Genetics (formerly Invitae), Labcorp
Classification: Benign. Last evaluated: 2018-08-08. Review status: criteria provided, single submitter. Criteria: Invitae Variant Classification Sherloc (09022015). Collection method: clinical testing. Allele origin: germline.

PreventionGenetics, part of Exact Sciences
Classification: Benign for AIM2-related condition. Last evaluated: 2020-12-18. Review status: no assertion criteria provided. Collection method: clinical testing. Allele origin: germline. Not counted in ClinVar's aggregate classification.
Comment: This variant is classified as benign based on ACMG/AMP sequence variant interpretation guidelines (Richards et al. 2015 PMID: 25741868, with internal and published modifications).